The following is an entry in ClinVar:

ClinVar aggregate classification (germline): Pathogenic. Review status: criteria provided, multiple submitters, no conflicts (2 of 4 stars). 2 submissions from 2 submitters: Pathogenic (2). Last evaluated 2025-11-10.

Conditions:
Inborn genetic diseases. Identifiers: MedGen C0950123, MeSH D030342.
Bardet-Biedl syndrome 7 (BBS7). Identifiers: Orphanet 110, MedGen C1859565, MONDO:0014435, OMIM 615984.

Submissions (2):

Ambry Genetics
Classification: Pathogenic for Inborn genetic diseases. Last evaluated: 2025-11-10. Review status: criteria provided, single submitter. Criteria: Ambry Variant Classification Scheme 2023. Collection method: clinical testing. Allele origin: germline.
Comment: The c.1015C>T (p.Q339*) alteration, located in coding exon 10 of the BBS7 gene, consists of a C to T substitution at nucleotide position 1015. This changes the amino acid from a glutamine (Q) to a stop codon at amino acid position 339. This alteration is expected to result in loss of function by premature protein truncation or nonsense-mediated mRNA decay. This variant was not reported in population-based cohorts in the Genome Aggregation Database (gnomAD). Based on the available evidence, this alteration is classified as pathogenic.

Baylor Genetics
Classification: Pathogenic for Bardet-Biedl syndrome 7. Last evaluated: 2022-12-20. Review status: criteria provided, single submitter. Criteria: ACMG Guidelines, 2015. Collection method: clinical testing. Allele origin: unknown.

NM_176824.3(BBS7):c.1015C>T (p.Gln339Ter)

Gene: BBS7 (Bardet-Biedl syndrome 7; minus strand). Cytogenetic location: 4q27.
Variant type: single nucleotide variant.
Coding change: c.1015C>T on transcript NM_176824.3 (MANE Select); coding-DNA position 1015, C replaced by T.
Protein change: p.Gln339Ter; replaces glutamine 339 with a stop codon.
Molecular consequence: nonsense.
Genome position (GRCh38, 1-based): chr4:121,847,426, G>A on the plus strand (C>T on the coding strand, the complement: BBS7 is on the minus strand). VCF-style: chr4-121847426-G-A. GRCh37 (hg19) VCF-style: chr4-122768581-G-A.
Other names: c.1015C>T, p.Gln339Ter (NM_018190.4); short protein forms Q339*.
Identifiers: ClinVar variation 985244 (VCV000985244.5), dbSNP rs1726067442, ClinGen allele CA358063060.
Genomic context (GRCh38, chr4:121,847,426, plus strand): 5'-GAGATTTTTAAAAAAGCAAATAAAAAACTCAAAGTTACCGTAAGGAAGAAATTTTATTCT[G>A]CATCTCCTGATTAATTTTTAGTTCTTCTCCTGGTCCACTTTCCTTATGAATGGGCTCTGT-3'